The following is an entry in ClinVar:

ClinVar aggregate classification (germline): Likely benign (1 of 4 stars; one submission).

Submission:

CeGaT Center for Human Genetics Tuebingen
Classification: Likely benign. Last evaluated: 2026-07-01. Review status: criteria provided, single submitter. Criteria: CeGaT Center For Human Genetics Tuebingen Variant Classification Criteria Version 2. Collection method: clinical testing. Allele origin: germline. Affected: yes. Observed: 1 variant allele.
Comment: DALRD3: BP4, BP7

NM_001009996.3(DALRD3):c.666G>A (p.Val222=)

Gene: DALRD3 (DALR anticodon binding domain containing 3; minus strand). Cytogenetic location: 3p21.31.
Variant type: single nucleotide variant.
Coding change: c.666G>A on transcript NM_001009996.3 (MANE Select); coding-DNA position 666, G replaced by A.
Protein change: p.Val222=; no amino-acid change (valine 222 retained).
Molecular consequence: synonymous variant.
Genome position (GRCh38, 1-based): chr3:49,017,665, C>T on the plus strand (G>A on the coding strand, the complement: DALRD3 is on the minus strand). VCF-style: chr3-49017665-C-T. GRCh37 (hg19) VCF-style: chr3-49055098-C-T.
Other names: c.666G>A, p.Val222= (NM_001276405.2); c.165G>A, p.Val55= (NM_018114.6).
Identifiers: ClinVar variation 5039056 (VCV005039056.1).